The following is an entry in ClinVar:

ClinVar aggregate classification (germline): Uncertain significance. Review status: criteria provided, multiple submitters, no conflicts (2 of 4 stars). 2 submissions from 2 submitters: Uncertain significance (2). Last evaluated 2025-03-30.

Allele frequency attached by ClinVar (database versions not stated): gnomAD 0.00001; TOPMed 0.00001.
gnomAD v4.1: 23 of 1,613,868 alleles (0.0014%); highest among the groups gnomAD compares: Admixed American, 0.0033%; no homozygotes.

Submissions (2):

Labcorp Genetics (formerly Invitae), Labcorp
Classification: Uncertain significance. Last evaluated: 2025-03-30. Review status: criteria provided, single submitter. Criteria: Invitae Variant Classification Sherloc (09022015). Collection method: clinical testing. Allele origin: germline.
Comment: This sequence change replaces arginine, which is basic and polar, with histidine, which is basic and polar, at codon 282 of the MAPKAPK3 protein (p.Arg282His). This variant is present in population databases (rs747366676, gnomAD 0.006%). This variant has not been reported in the literature in individuals affected with MAPKAPK3-related conditions. ClinVar contains an entry for this variant (Variation ID: 1023861). An algorithm developed to predict the effect of missense changes on protein structure and function (PolyPhen-2) suggests that this variant is likely to be tolerated. In summary, the available evidence is currently insufficient to determine the role of this variant in disease. Therefore, it has been classified as a Variant of Uncertain Significance.

Ambry Genetics
Classification: Uncertain significance. Last evaluated: 2025-01-07. Review status: criteria provided, single submitter. Criteria: Ambry Variant Classification Scheme 2023. Collection method: clinical testing. Allele origin: germline.

NM_001243925.2(MAPKAPK3):c.845G>A (p.Arg282His)

Gene: MAPKAPK3 (MAPK activated protein kinase 3; plus strand). Cytogenetic location: 3p21.2.
Variant type: single nucleotide variant.
Coding change: c.845G>A on transcript NM_001243925.2 (MANE Select); coding-DNA position 845, G replaced by A.
Protein change: p.Arg282His; replaces arginine 282 with histidine.
Molecular consequence: missense variant.
Genome position (GRCh38, 1-based): chr3:50,646,755, G>A. VCF-style: chr3-50646755-G-A. GRCh37 (hg19) VCF-style: chr3-50684186-G-A.
Other names: c.845G>A, p.Arg282His (NM_001243926.2, NM_004635.5); c.845G>A (NM_004635.4); short protein forms R282H.
Identifiers: ClinVar variation 1023861 (VCV001023861.6), dbSNP rs747366676, ClinGen allele CA2420399.